The following is an entry in ClinVar:

ClinVar aggregate classification (germline): Uncertain significance. Review status: criteria provided, multiple submitters, no conflicts (2 of 4 stars). 2 submissions from 2 submitters: Uncertain significance (2). Last evaluated 2025-10-26.

Conditions:
Inborn genetic diseases. Identifiers: MedGen C0950123, MeSH D030342.
Facioscapulohumeral muscular dystrophy 2 (FSHD2). Also called: MUSCULAR DYSTROPHY, FACIOSCAPULOHUMERAL, TYPE 1B; FACIOSCAPULOHUMERAL MUSCULAR DYSTROPHY 2, DIGENIC; FSHD2, DIGENIC. Identifiers: Orphanet 269, MedGen C1834671, MONDO:0008031, OMIM 158901.

gnomAD v4.1: 47 of 1,499,990 alleles (0.0031%); highest among the groups gnomAD compares: Non-Finnish European, 0.0041%; no homozygotes.

Submissions (2):

Labcorp Genetics (formerly Invitae), Labcorp
Classification: Uncertain significance for Facioscapulohumeral muscular dystrophy 2. Last evaluated: 2025-10-26. Review status: criteria provided, single submitter. Criteria: Invitae Variant Classification Sherloc (09022015). Collection method: clinical testing. Allele origin: germline.
Comment: This sequence change replaces aspartic acid, which is acidic and polar, with histidine, which is basic and polar, at codon 914 of the SMCHD1 protein (p.Asp914His). This variant is present in population databases (no rsID available, gnomAD 0.002%). This variant has not been reported in the literature in individuals affected with SMCHD1-related conditions. Invitae Evidence Modeling of protein sequence and biophysical properties (such as structural, functional, and spatial information, amino acid conservation, physicochemical variation, residue mobility, and thermodynamic stability) indicates that this missense variant is not expected to disrupt SMCHD1 protein function with a negative predictive value of 80%. Algorithms developed to predict the effect of sequence changes on RNA splicing suggest that this variant may disrupt the consensus splice site. In summary, the available evidence is currently insufficient to determine the role of this variant in disease. Therefore, it has been classified as a Variant of Uncertain Significance.

Ambry Genetics
Classification: Uncertain significance for Inborn genetic diseases. Last evaluated: 2025-10-22. Review status: criteria provided, single submitter. Criteria: Ambry Variant Classification Scheme 2023. Collection method: clinical testing. Allele origin: germline.

NM_015295.3(SMCHD1):c.2740G>C (p.Asp914His)

Gene: SMCHD1 (structural maintenance of chromosomes flexible hinge domain containing 1; plus strand). Cytogenetic location: 18p11.32.
Variant type: single nucleotide variant.
Coding change: c.2740G>C on transcript NM_015295.3 (MANE Select); coding-DNA position 2740, G replaced by C.
Protein change: p.Asp914His; replaces aspartic acid 914 with histidine.
Molecular consequence: missense variant.
Genome position (GRCh38, 1-based): chr18:2,726,491, G>C. VCF-style: chr18-2726491-G-C. GRCh37 (hg19) VCF-style: chr18-2726489-G-C.
Other names: short protein forms D914H.
Identifiers: ClinVar variation 4631703 (VCV004631703.2).
Genomic context (GRCh38, chr18:2,726,491, plus strand): 5'-TTTACTGTTTTTTTCCAACAGAATTATAATCTGAAGGTTACTCTGCCTGGCTTAAAAGAA[G>C]ACTCACAGATTTTGAAAATTAGATTACTACCTGGTAATATTATTTCAAGAAATATAATTA-3'
Protein context (NP_056110.2, residues 904-924): LKVTLPGLKE[Asp914His]SQILKIRLLP